The following is an entry in ClinVar:

ClinVar aggregate classification (germline): Likely benign. Review status: criteria provided, multiple submitters, no conflicts (2 of 4 stars). 3 submissions from 3 submitters: Likely benign (2). 1 of the submissions does not count toward it. Last evaluated 2025-08-01.

Conditions:
SHANK2-related disorder.

Allele frequency attached by ClinVar (database versions not stated): gnomAD 0.00019 and 0.00021; ExAC 0.00023; gnomAD exomes 0.00023 and 0.00029; TOPMed 0.00028; ESP Exome Variant Server 0.00044.
gnomAD v4.1: 440 of 1,551,700 alleles (0.028%); highest among the groups gnomAD compares: Non-Finnish European, 0.035%; no homozygotes.

Submissions (3):

CeGaT Center for Human Genetics Tuebingen
Classification: Likely benign. Last evaluated: 2025-08-01. Review status: criteria provided, single submitter. Criteria: CeGaT Center For Human Genetics Tuebingen Variant Classification Criteria Version 2. Collection method: clinical testing. Allele origin: germline. Affected: yes. Observed: 4 variant alleles.
Comment: SHANK2: BP4, BP7

Blueprint Genetics
Classification: Likely benign. Last evaluated: 2024-11-22. Review status: criteria provided, single submitter. Criteria: ACMG Guidelines, 2015. Collection method: clinical testing. Allele origin: germline.

PreventionGenetics, part of Exact Sciences
Classification: Likely benign for SHANK2-related condition. Last evaluated: 2020-01-31. Review status: no assertion criteria provided. Collection method: clinical testing. Allele origin: germline. Not counted in ClinVar's aggregate classification.
Comment: This variant is classified as likely benign based on ACMG/AMP sequence variant interpretation guidelines (Richards et al. 2015 PMID: 25741868, with internal and published modifications).

NM_012309.5(SHANK2):c.771A>G (p.Pro257=)

Gene: SHANK2 (SH3 and multiple ankyrin repeat domains 2; minus strand). Cytogenetic location: 11q13.4.
Variant type: single nucleotide variant.
Coding change: c.771A>G on transcript NM_012309.5 (MANE Select); coding-DNA position 771, A replaced by G.
Protein change: p.Pro257=; no amino-acid change (proline 257 retained).
Molecular consequence: synonymous variant.
Genome position (GRCh38, 1-based): chr11:71,092,563, T>C on the plus strand (A>G on the coding strand, the complement: SHANK2 is on the minus strand). VCF-style: chr11-71092563-T-C. GRCh37 (hg19) VCF-style: chr11-70803609-T-C.
Other names: c.771A>G (NM_012309.4).
Identifiers: ClinVar variation 305908 (VCV000305908.29), dbSNP rs200821952, ClinGen allele CA6162070.